The following is an entry in ClinVar:

NM_201384.3(PLEC):c.9436C>T (p.Pro3146Ser)

Gene: PLEC (plectin; minus strand). Cytogenetic location: 8q24.3.
Variant type: single nucleotide variant.
Coding change: c.9436C>T on transcript NM_201384.3 (MANE Select); coding-DNA position 9436, C replaced by T.
Protein change: p.Pro3146Ser; replaces proline 3146 with serine.
Molecular consequence: missense variant.
Genome position (GRCh38, 1-based): chr8:143,920,385, G>A on the plus strand (C>T on the coding strand, the complement: PLEC is on the minus strand). VCF-style: chr8-143920385-G-A. GRCh37 (hg19) VCF-style: chr8-144994553-G-A.
Other names: c.9370C>T, p.Pro3124Ser (NM_201379.3); c.9847C>T, p.Pro3283Ser (NM_201380.4); c.9340C>T, p.Pro3114Ser (NM_201381.3); c.9436C>T, p.Pro3146Ser (NM_201382.4); c.9448C>T, p.Pro3150Ser (NM_201383.3); c.9517C>T, p.Pro3173Ser (NM_000445.5); c.6136C>T, p.Pro2046Ser (NM_001410941.1); c.9394C>T, p.Pro3132Ser (NM_201378.4); short protein forms P3132S, P3146S, P3124S, P3283S, P3114S, P3150S, P2046S, P3173S.
Identifiers: ClinVar variation 1936089 (VCV001936089.5), dbSNP rs1321341440, ClinGen allele CA372509420.

ClinVar aggregate classification (germline): Uncertain significance (1 of 4 stars; one submission).

Conditions:
Epidermolysis bullosa simplex with nail dystrophy (EBS5D). Identifiers: MedGen C4225309, MONDO:0014661, OMIM 616487.
Epidermolysis bullosa simplex 5B, with muscular dystrophy (EBS5B). Also called: Epidermolysis bullosa simplex with muscular dystrophy; EPIDERMOLYSIS BULLOSA SIMPLEX AND LIMB-GIRDLE MUSCULAR DYSTROPHY. Identifiers: Orphanet 257, MedGen C2931072, MONDO:0009181, OMIM 226670.
Epidermolysis bullosa simplex, Ogna type (EBS5A). Also called: EPIDERMOLYSIS BULLOSA SIMPLEX 5A, OGNA TYPE; Pidermolysis bullosa simplex 5A, Ogna type. Identifiers: Orphanet 79401, MedGen C0432317, MONDO:0007555, OMIM 131950.
Epidermolysis bullosa simplex 5C, with pyloric atresia (EBS5C). Also called: PLEC-Related Epidermolysis Bullosa with Pyloric Atresia; Epidermolysis bullosa simplex with pyloric atresia; PLEC1-Related Epidermolysis Bullosa with Pyloric Atresia. Identifiers: Orphanet 158684, MedGen C2677349, MONDO:0012807, OMIM 612138.
Autosomal recessive limb-girdle muscular dystrophy type 2Q (LGMDR17). Also called: MUSCULAR DYSTROPHY, LIMB-GIRDLE, AUTOSOMAL RECESSIVE 17. Identifiers: Orphanet 254361, MedGen C3150989, MONDO:0013390, OMIM 613723.

gnomAD v4.1: 4 of 1,591,654 alleles (0.00025%); highest among the groups gnomAD compares: South Asian, 0.0044%; no homozygotes.

Submission:

Labcorp Genetics (formerly Invitae), Labcorp
Classification: Uncertain significance for Autosomal recessive limb-girdle muscular dystrophy type 2Q; Epidermolysis bullosa simplex, Ogna type; Epidermolysis bullosa simplex with nail dystrophy; Epidermolysis bullosa simplex 5C, with pyloric atresia; Epidermolysis bullosa simplex 5B, with muscular dystrophy. Last evaluated: 2023-08-30. Review status: criteria provided, single submitter. Criteria: Invitae Variant Classification Sherloc (09022015). Collection method: clinical testing. Allele origin: germline.
Comment: In summary, the available evidence is currently insufficient to determine the role of this variant in disease. Therefore, it has been classified as a Variant of Uncertain Significance. An algorithm developed to predict the effect of missense changes on protein structure and function (PolyPhen-2) suggests that this variant is likely to be disruptive. ClinVar contains an entry for this variant (Variation ID: 1936089). This variant has not been reported in the literature in individuals affected with PLEC-related conditions. The frequency data for this variant in the population databases is considered unreliable, as metrics indicate poor data quality at this position in the gnomAD database. This sequence change replaces proline, which is neutral and non-polar, with serine, which is neutral and polar, at codon 3173 of the PLEC protein (p.Pro3173Ser).